The following is an entry in ClinVar:

ClinVar aggregate classification (germline): Uncertain significance (1 of 4 stars; one submission).

Conditions:
Spondyloepimetaphyseal dysplasia, PAPSS2 type. Also called: SEMD, PAKISTANI TYPE; BRACHYOLMIA TYPE 4 WITH MILD EPIPHYSEAL AND METAPHYSEAL CHANGES; SPONDYLODYSPLASIA AND PREMATURE PUBARCHE. Identifiers: Orphanet 93282, MedGen C2748516, MONDO:0019666, OMIM 612847.

Allele frequency attached by ClinVar (database versions not stated): TOPMed below 0.00001.

Submission:

Labcorp Genetics (formerly Invitae), Labcorp
Classification: Uncertain significance for Spondyloepimetaphyseal dysplasia, PAPSS2 type. Last evaluated: 2024-04-29. Review status: criteria provided, single submitter. Criteria: Invitae Variant Classification Sherloc (09022015). Collection method: clinical testing. Allele origin: germline.
Comment: This sequence change replaces glycine, which is neutral and non-polar, with aspartic acid, which is acidic and polar, at codon 373 of the PAPSS2 protein (p.Gly373Asp). This variant is not present in population databases (gnomAD no frequency). This variant has not been reported in the literature in individuals affected with PAPSS2-related conditions. ClinVar contains an entry for this variant (Variation ID: 1346398). An algorithm developed to predict the effect of missense changes on protein structure and function (PolyPhen-2) suggests that this variant is likely to be disruptive. In summary, the available evidence is currently insufficient to determine the role of this variant in disease. Therefore, it has been classified as a Variant of Uncertain Significance.

NM_001015880.2(PAPSS2):c.1118G>A (p.Gly373Asp)

Gene: PAPSS2 (3'-phosphoadenosine 5'-phosphosulfate synthase 2; plus strand). Cytogenetic location: 10q23.31.
Variant type: single nucleotide variant.
Coding change: c.1118G>A on transcript NM_001015880.2 (MANE Select); coding-DNA position 1118, G replaced by A.
Protein change: p.Gly373Asp; replaces glycine 373 with aspartic acid.
Molecular consequence: missense variant.
Genome position (GRCh38, 1-based): chr10:87,741,266, G>A. VCF-style: chr10-87741266-G-A. GRCh37 (hg19) VCF-style: chr10-89501023-G-A.
Other names: c.1103G>A, p.Gly368Asp (NM_004670.4); short protein forms G368D, G373D.
Identifiers: ClinVar variation 1346398 (VCV001346398.8), dbSNP rs1252910580, ClinGen allele CA377482505.
Genomic context (GRCh38, chr10:87,741,266, plus strand): 5'-ATTAGCAATCATAACAATGTTCTTTCTAGATGGTGATGGAAAGTGGGGACTGGCTGGTTG[G>A]TGGAGACCTTCAGGTGCTGGAGAAAATAAGATGGAATGATGGGCTGGACCAATACCGTCT-3'
Protein context (NP_001015880.1, residues 363-383): MVMESGDWLV[Gly373Asp]GDLQVLEKIR